The following is an entry in ClinVar:

NM_006648.4(WNK2):c.6563C>T (p.Ala2188Val)

Gene: WNK2 (WNK lysine deficient protein kinase 2; plus strand). Cytogenetic location: 9q22.31.
Variant type: single nucleotide variant.
Coding change: c.6563C>T on transcript NM_006648.4 (MANE Select); coding-DNA position 6563, C replaced by T.
Protein change: p.Ala2188Val; replaces alanine 2188 with valine.
Molecular consequence: missense variant.
Genome position (GRCh38, 1-based): chr9:93,317,566, C>T. VCF-style: chr9-93317566-C-T. GRCh37 (hg19) VCF-style: chr9-96079848-C-T.
Other names: c.6674C>T, p.Ala2225Val (NM_001282394.3); short protein forms A2188V, A2225V.
Identifiers: ClinVar variation 2357962 (VCV002357962.3), dbSNP rs147707800, ClinGen allele CA5130918.

ClinVar aggregate classification (germline): Uncertain significance (1 of 4 stars; one submission).

Allele frequency attached by ClinVar (database versions not stated): gnomAD exomes 0.00003; ExAC 0.00008; 1000 Genomes Project 30x 0.00016; gnomAD 0.00019; 1000 Genomes Project 0.00020; ESP Exome Variant Server 0.00023; TOPMed 0.00025.
gnomAD v4.1: 75 of 1,613,542 alleles (0.0046%); highest among the groups gnomAD compares: African/African-American, 0.079%; no homozygotes.

Submission:

Ambry Genetics
Classification: Uncertain significance. Last evaluated: 2024-11-23. Review status: criteria provided, single submitter. Criteria: Ambry Variant Classification Scheme 2023. Collection method: clinical testing. Allele origin: germline.
Comment: The p.A2188V variant (also known as c.6563C>T), located in coding exon 28 of the WNK2 gene, results from a C to T substitution at nucleotide position 6563. The alanine at codon 2188 is replaced by valine, an amino acid with similar properties. This amino acid position is conserved. In addition, this alteration is predicted to be tolerated by in silico analysis. Based on the available evidence, the clinical significance of this variant remains unclear.